The following is an entry in ClinVar:

NM_000053.4(ATP7B):c.1781A>C (p.Tyr594Ser)

Gene: ATP7B (ATPase copper transporting beta; minus strand). Cytogenetic location: 13q14.3.
Variant type: single nucleotide variant.
Coding change: c.1781A>C on transcript NM_000053.4 (MANE Select); coding-DNA position 1781, A replaced by C.
Protein change: p.Tyr594Ser; replaces tyrosine 594 with serine.
Molecular consequence: missense variant.
Genome position (GRCh38, 1-based): chr13:51,964,960, T>G on the plus strand (A>C on the coding strand, the complement: ATP7B is on the minus strand). VCF-style: chr13-51964960-T-G. GRCh37 (hg19) VCF-style: chr13-52539096-T-G.
Other names: c.1781A>C, p.Tyr594Ser (NM_001005918.3, NM_001330578.2, NM_001330579.2 and 24 more transcripts); c.1448A>C, p.Tyr483Ser (NM_001243182.2); c.1748A>C, p.Tyr583Ser (NM_001406524.1, NM_001406514.1); c.1685A>C, p.Tyr562Ser (NM_001406530.1, NM_001406544.1, NM_001406517.1 and 3 more transcripts); c.1352A>C, p.Tyr451Ser (NM_001406539.1); short protein forms Y451S, Y483S, Y562S, Y583S, Y594S.
Identifiers: ClinVar variation 1722021 (VCV001722021.5), dbSNP rs575444351, ClinGen allele CA388030593.

ClinVar aggregate classification (germline): Uncertain significance (1 of 4 stars; one submission).

Conditions:
Wilson disease (WND). Also called: Wilson's disease. Identifiers: Orphanet 905, MedGen C0019202, MONDO:0010200, OMIM 277900. Disease mechanism: loss of function.

Submission:

Labcorp Genetics (formerly Invitae), Labcorp
Classification: Uncertain significance for Wilson disease. Last evaluated: 2022-07-21. Review status: criteria provided, single submitter. Criteria: Invitae Variant Classification Sherloc (09022015). Collection method: clinical testing. Allele origin: germline.
Comment: This sequence change replaces tyrosine, which is neutral and polar, with serine, which is neutral and polar, at codon 594 of the ATP7B protein (p.Tyr594Ser). In summary, the available evidence is currently insufficient to determine the role of this variant in disease. Therefore, it has been classified as a Variant of Uncertain Significance. Advanced modeling of protein sequence and biophysical properties (such as structural, functional, and spatial information, amino acid conservation, physicochemical variation, residue mobility, and thermodynamic stability) performed at Invitae indicates that this missense variant is not expected to disrupt ATP7B protein function. This variant has not been reported in the literature in individuals affected with ATP7B-related conditions. This variant is not present in population databases (gnomAD no frequency).